The following is an entry in ClinVar:

ClinVar aggregate classification (germline): Pathogenic (1 of 4 stars; one submission).

Conditions:
Neurofibromatosis, type 1 (NF1). Also called: VON RECKLINGHAUSEN DISEASE; Peripheral type neurofibromatosis; NEUROFIBROMATOSIS, TYPE I, SOMATIC; Neurofibromatosis, type I. Identifiers: Orphanet 636, MedGen C0027831, MONDO:0018975, OMIM 162200. Disease mechanism: loss of function.

Submission:

Labcorp Genetics (formerly Invitae), Labcorp
Classification: Pathogenic for Neurofibromatosis, type 1. Last evaluated: 2025-02-11. Review status: criteria provided, single submitter. Criteria: Invitae Variant Classification Sherloc (09022015). Collection method: clinical testing. Allele origin: germline.
Comment: This sequence change creates a premature translational stop signal (p.Val13Argfs*25) in the NF1 gene. It is expected to result in an absent or disrupted protein product. Loss-of-function variants in NF1 are known to be pathogenic (PMID: 10712197, 23913538). This variant is not present in population databases (gnomAD no frequency). This variant has not been reported in the literature in individuals affected with NF1-related conditions. For these reasons, this variant has been classified as Pathogenic.

Literature cited by the submitters: PubMed 10712197; PubMed 23913538.

NM_001042492.3(NF1):c.36dup (p.Val13fs)

Genes: MIR4733HG (MIR4733 host gene; minus strand), NF1 (neurofibromin 1; plus strand), LOC111811965 (NF1 (neurofibromin 1) promoter region; plus strand). Cytogenetic location: 17q11.2.
Variant type: Duplication.
Coding change: c.36dup on transcript NM_001042492.3 (MANE Select); coding-DNA position 36, one base duplicated (C; older notation c.36dupC).
Protein change: p.Val13fs; shifts the reading frame from valine 13.
Molecular consequence: frameshift variant. On other transcripts: non-coding transcript variant (1).
Genome position (GRCh38, 1-based): chr17:31,095,345, C duplicated; the last of 2 consecutive C bases (chr17:31,095,344-31,095,345); duplicating either gives the same sequence. VCF-style (leftmost placement, unchanged base first): chr17-31095343-G-GC. GRCh37 (hg19) VCF-style: chr17-29422361-G-GC.
Other names: c.36dup, p.Val13fs (NM_000267.4, NM_001128147.3); short protein forms V13fs.
Identifiers: ClinVar variation 4712807 (VCV004712807.1).
Genomic context (GRCh38, chr17:31,095,343, plus strand): 5'-CCGCCGCCCCCCGGCCGCGGGGAGGACATGGCCGCGCACAGGCCGGTGGAATGGGTCCAG[G>GC]CCGTGGTCAGCCGCTTCGACGAGCAGGTAACCGGCCCGTGGCGGGCGGGAGGTGGGAGCG-3'